The following is an entry in ClinVar:

ClinVar aggregate classification (germline): Uncertain significance (1 of 4 stars; one submission).

Submission:

Labcorp Genetics (formerly Invitae), Labcorp
Classification: Uncertain significance. Last evaluated: 2025-05-04. Review status: criteria provided, single submitter. Criteria: Invitae Variant Classification Sherloc (09022015). Collection method: clinical testing. Allele origin: germline.
Comment: This sequence change replaces cysteine, which is neutral and slightly polar, with arginine, which is basic and polar, at codon 428 of the DDX58 protein (p.Cys428Arg). This variant is not present in population databases (gnomAD no frequency). This variant has not been reported in the literature in individuals affected with DDX58-related conditions. Invitae Evidence Modeling of protein sequence and biophysical properties (such as structural, functional, and spatial information, amino acid conservation, physicochemical variation, residue mobility, and thermodynamic stability) indicates that this missense variant is not expected to disrupt DDX58 protein function with a negative predictive value of 80%. In summary, the available evidence is currently insufficient to determine the role of this variant in disease. Therefore, it has been classified as a Variant of Uncertain Significance.

NM_014314.4(RIGI):c.1282T>C (p.Cys428Arg)

Gene: RIGI (RNA sensor RIG-I; minus strand). Cytogenetic location: 9p21.1.
Variant type: single nucleotide variant.
Coding change: c.1282T>C on transcript NM_014314.4 (MANE Select); coding-DNA position 1282, T replaced by C.
Protein change: p.Cys428Arg; replaces cysteine 428 with arginine.
Molecular consequence: missense variant.
Genome position (GRCh38, 1-based): chr9:32,487,564, A>G on the plus strand (T>C on the coding strand, the complement: RIGI is on the minus strand). VCF-style: chr9-32487564-A-G. GRCh37 (hg19) VCF-style: chr9-32487562-A-G.
Other names: c.1276T>C, p.Cys426Arg (NM_001385907.1); c.1282T>C, p.Cys428Arg (NM_001385909.1); c.841T>C, p.Cys281Arg (NM_001385910.1); c.673T>C, p.Cys225Arg (NM_001385912.1); c.1267T>C, p.Cys423Arg (NM_001385913.1); c.838T>C, p.Cys280Arg (NM_001385914.1); short protein forms C428R, C225R, C281R, C423R, C280R, C426R.
Identifiers: ClinVar variation 4745058 (VCV004745058.1).